The following is an entry in ClinVar:

NM_000843.4(GRM6):c.1718C>T (p.Pro573Leu)

Genes: GRM6 (glutamate metabotropic receptor 6; minus strand), ZNF454 (zinc finger protein 454; plus strand). Cytogenetic location: 5q35.3.
Variant type: single nucleotide variant.
Coding change: c.1718C>T on transcript NM_000843.4 (MANE Select); coding-DNA position 1718, C replaced by T.
Protein change: p.Pro573Leu; replaces proline 573 with leucine.
Molecular consequence: missense variant.
Genome position (GRCh38, 1-based): chr5:178,986,536, G>A on the plus strand (C>T on the coding strand, the complement: GRM6 is on the minus strand). VCF-style: chr5-178986536-G-A. GRCh37 (hg19) VCF-style: chr5-178413537-G-A.
Other names: short protein forms P573L.
Identifiers: ClinVar variation 1474992 (VCV001474992.9), dbSNP rs1760556852, ClinGen allele CA362427484.

ClinVar aggregate classification (germline): Uncertain significance. Review status: criteria provided, multiple submitters, no conflicts (2 of 4 stars). 2 submissions from 2 submitters: Uncertain significance (2). Last evaluated 2022-08-23.

Allele frequency attached by ClinVar (database versions not stated): gnomAD exomes below 0.00001; TOPMed 0.00002.
gnomAD v4.1: 4 of 1,608,080 alleles (0.00025%); highest among the groups gnomAD compares: African/African-American, 0.0053%; no homozygotes.

Submissions (2):

Labcorp Genetics (formerly Invitae), Labcorp
Classification: Uncertain significance. Last evaluated: 2022-08-23. Review status: criteria provided, single submitter. Criteria: Invitae Variant Classification Sherloc (09022015). Collection method: clinical testing. Allele origin: germline.
Comment: This variant has not been reported in the literature in individuals affected with GRM6-related conditions. ClinVar contains an entry for this variant (Variation ID: 1474992). Advanced modeling of protein sequence and biophysical properties (such as structural, functional, and spatial information, amino acid conservation, physicochemical variation, residue mobility, and thermodynamic stability) performed at Invitae indicates that this missense variant is not expected to disrupt GRM6 protein function. In summary, the available evidence is currently insufficient to determine the role of this variant in disease. Therefore, it has been classified as a Variant of Uncertain Significance. This variant is not present in population databases (gnomAD no frequency). This sequence change replaces proline, which is neutral and non-polar, with leucine, which is neutral and non-polar, at codon 573 of the GRM6 protein (p.Pro573Leu).

Blueprint Genetics
Classification: Uncertain significance. Last evaluated: 2019-08-15. Review status: criteria provided, single submitter. Criteria: ACMG Guidelines, 2015. Collection method: clinical testing. Allele origin: germline.